The following is an entry in ClinVar:

NM_003738.5(PTCH2):c.813+4G>C

Gene: PTCH2 (patched 2; minus strand). Cytogenetic location: 1p34.1.
Variant type: single nucleotide variant.
Coding change: c.813+4G>C on transcript NM_003738.5 (MANE Select); 4 bases into the intron after coding-DNA position 813, G replaced by C.
Molecular consequence: intron variant.
Genome position (GRCh38, 1-based): chr1:44,830,844, C>G on the plus strand (G>C on the coding strand, the complement: PTCH2 is on the minus strand). VCF-style: chr1-44830844-C-G. GRCh37 (hg19) VCF-style: chr1-45296516-C-G.
Other names: c.813+4G>C (NM_001166292.2).
Identifiers: ClinVar variation 1000469 (VCV001000469.9), dbSNP rs552470325, ClinGen allele CA823528.

ClinVar aggregate classification (germline): Uncertain significance (1 of 4 stars; one submission).

Conditions:
Gorlin syndrome. Also called: Nevoid Basal Cell Carcinoma Syndrome; Basal cell nevus syndrome. Identifiers: Orphanet 377, MedGen C0004779, MONDO:0007187.

Allele frequency attached by ClinVar (database versions not stated): gnomAD exomes below 0.00001 and 0.00001; TOPMed below 0.00001; ExAC 0.00001; gnomAD 0.00001.
gnomAD v4.1: 9 of 1,542,192 alleles (0.00058%); highest among the groups gnomAD compares: Non-Finnish European, 0.00079%; no homozygotes.

Submission:

Labcorp Genetics (formerly Invitae), Labcorp
Classification: Uncertain significance for Gorlin syndrome. Last evaluated: 2020-02-26. Review status: criteria provided, single submitter. Criteria: Invitae Variant Classification Sherloc (09022015). Collection method: clinical testing. Allele origin: germline.
Comment: This variant is present in population databases (rs552470325, ExAC 0.002%). In summary, the available evidence is currently insufficient to determine the role of this variant in disease. Therefore, it has been classified as a Variant of Uncertain Significance. Nucleotide substitutions within the consensus splice site are a relatively common cause of aberrant splicing (PMID: 17576681, 9536098). Algorithms developed to predict the effect of sequence changes on RNA splicing suggest that this variant is not likely to affect RNA splicing, but this prediction has not been confirmed by published transcriptional studies. This variant has not been reported in the literature in individuals with PTCH2-related conditions. This sequence change falls in intron 6 of the PTCH2 gene. It does not directly change the encoded amino acid sequence of the PTCH2 protein, but it affects a nucleotide within the consensus splice site of the intron.

Literature cited by the submitters: PubMed 17576681; PubMed 9536098.